The following is an entry in ClinVar:

ClinVar aggregate classification (germline): Uncertain significance. Review status: criteria provided, multiple submitters, no conflicts (2 of 4 stars). 3 submissions from 3 submitters: Uncertain significance (3). Last evaluated 2025-05-15.

Conditions:
Inborn genetic diseases. Identifiers: MedGen C0950123, MeSH D030342.

Allele frequency attached by ClinVar (database versions not stated): gnomAD 0.00004 and 0.00003; TOPMed 0.00006.
gnomAD v4.1: 109 of 1,551,322 alleles (0.007%); highest among the groups gnomAD compares: Non-Finnish European, 0.0092%; no homozygotes.

Submissions (3):

Ambry Genetics
Classification: Uncertain significance for Inborn genetic diseases. Last evaluated: 2025-05-15. Review status: criteria provided, single submitter. Criteria: Ambry Variant Classification Scheme 2023. Collection method: clinical testing. Allele origin: germline.

GeneDx
Classification: Uncertain significance. Last evaluated: 2023-11-14. Review status: criteria provided, single submitter. Criteria: GeneDx Variant Classification Process June 2021. Collection method: clinical testing. Allele origin: germline. Affected: yes.
Comment: In silico analysis supports that this missense variant has a deleterious effect on protein structure/function; Has not been previously published as pathogenic or benign to our knowledge

Labcorp Genetics (formerly Invitae), Labcorp
Classification: Uncertain significance. Last evaluated: 2022-10-17. Review status: criteria provided, single submitter. Criteria: Invitae Variant Classification Sherloc (09022015). Collection method: clinical testing. Allele origin: germline.
Comment: This sequence change replaces threonine, which is neutral and polar, with proline, which is neutral and non-polar, at codon 1537 of the UNC80 protein (p.Thr1537Pro). The frequency data for this variant in the population databases is considered unreliable, as metrics indicate poor data quality at this position in the gnomAD database. This variant has not been reported in the literature in individuals affected with UNC80-related conditions. ClinVar contains an entry for this variant (Variation ID: 1428086). Advanced modeling of protein sequence and biophysical properties (such as structural, functional, and spatial information, amino acid conservation, physicochemical variation, residue mobility, and thermodynamic stability) performed at Invitae indicates that this missense variant is not expected to disrupt UNC80 protein function. In summary, the available evidence is currently insufficient to determine the role of this variant in disease. Therefore, it has been classified as a Variant of Uncertain Significance.

NM_001371986.1(UNC80):c.4807A>C (p.Thr1603Pro)

Gene: UNC80 (unc-80 subunit of NALCN channel complex; plus strand). Cytogenetic location: 2q34.
Variant type: single nucleotide variant.
Coding change: c.4807A>C on transcript NM_001371986.1 (MANE Select); coding-DNA position 4807, A replaced by C.
Protein change: p.Thr1603Pro; replaces threonine 1603 with proline.
Molecular consequence: missense variant.
Genome position (GRCh38, 1-based): chr2:209,912,584, A>C. VCF-style: chr2-209912584-A-C. GRCh37 (hg19) VCF-style: chr2-210777308-A-C.
Other names: c.4609A>C, p.Thr1537Pro (NM_032504.2); c.4594A>C, p.Thr1532Pro (NM_182587.4); c.4609A>C (NM_032504.1); short protein forms T1532P, T1537P, T1603P.
Identifiers: ClinVar variation 1428086 (VCV001428086.7), dbSNP rs1023477727, ClinGen allele CA65039650.